The following is an entry in ClinVar:

NM_002437.5(MPV17):c.524G>C (p.Arg175Pro)

Gene: MPV17 (mitochondrial inner membrane protein MPV17; minus strand). Cytogenetic location: 2p23.3.
Variant type: single nucleotide variant.
Coding change: c.524G>C on transcript NM_002437.5 (MANE Select); coding-DNA position 524, G replaced by C.
Protein change: p.Arg175Pro; replaces arginine 175 with proline.
Molecular consequence: missense variant.
Genome position (GRCh38, 1-based): chr2:27,309,919, C>G on the plus strand (G>C on the coding strand, the complement: MPV17 is on the minus strand). VCF-style: chr2-27309919-C-G. GRCh37 (hg19) VCF-style: chr2-27532787-C-G.
Other names: short protein forms R175P.
Identifiers: ClinVar variation 2002906 (VCV002002906.4), dbSNP rs746180658, ClinGen allele CA346205321.
Genomic context (GRCh38, chr2:27,309,919, plus strand): 5'-TTCCAGGGTCAAGCTGCATCACTGCAAGGTGGAAACGATGGAGTGAGGCAGGCTTAGAGC[C>G]GATGTGCCTTCCAGGACAGGTAGGAGTTCCAGATAACAGCAACACATTGGACAACGGCCA-3'
Protein context (NP_002428.1, residues 165-176): WNSYLSWKAH[Arg175Pro]L

ClinVar aggregate classification (germline): Uncertain significance (1 of 4 stars; one submission).

gnomAD v4.1: 1 of 1,613,656 alleles (0.000062%); no homozygotes.

Submission:

Labcorp Genetics (formerly Invitae), Labcorp
Classification: Uncertain significance. Last evaluated: 2024-10-24. Review status: criteria provided, single submitter. Criteria: Invitae Variant Classification Sherloc (09022015). Collection method: clinical testing. Allele origin: germline.
Comment: This sequence change replaces arginine, which is basic and polar, with proline, which is neutral and non-polar, at codon 175 of the MPV17 protein (p.Arg175Pro). This variant is not present in population databases (gnomAD no frequency). This variant has not been reported in the literature in individuals affected with MPV17-related conditions. ClinVar contains an entry for this variant (Variation ID: 2002906). Invitae Evidence Modeling of protein sequence and biophysical properties (such as structural, functional, and spatial information, amino acid conservation, physicochemical variation, residue mobility, and thermodynamic stability) indicates that this missense variant is not expected to disrupt MPV17 protein function with a negative predictive value of 95%. In summary, the available evidence is currently insufficient to determine the role of this variant in disease. Therefore, it has been classified as a Variant of Uncertain Significance.